The following is an entry in ClinVar:

ClinVar aggregate classification (germline): Uncertain significance (1 of 4 stars; one submission).

Allele frequency attached by ClinVar (database versions not stated): gnomAD exomes below 0.00001.
gnomAD v4.1: 2 of 1,613,768 alleles (0.00012%); highest among the groups gnomAD compares: Middle Eastern, 0.016%; no homozygotes.

Submission:

Labcorp Genetics (formerly Invitae), Labcorp
Classification: Uncertain significance. Last evaluated: 2025-06-12. Review status: criteria provided, single submitter. Criteria: Invitae Variant Classification Sherloc (09022015). Collection method: clinical testing. Allele origin: germline.
Comment: This sequence change replaces tyrosine, which is neutral and polar, with histidine, which is basic and polar, at codon 1289 of the FAT1 protein (p.Tyr1289His). This variant is not present in population databases (gnomAD no frequency). This variant has not been reported in the literature in individuals affected with FAT1-related conditions. ClinVar contains an entry for this variant (Variation ID: 1912123). An algorithm developed to predict the effect of missense changes on protein structure and function (PolyPhen-2) suggests that this variant is likely to be disruptive. In summary, the available evidence is currently insufficient to determine the role of this variant in disease. Therefore, it has been classified as a Variant of Uncertain Significance.

NM_005245.4(FAT1):c.3865T>C (p.Tyr1289His)

Gene: FAT1 (FAT atypical cadherin 1; minus strand). Cytogenetic location: 4q35.2.
Variant type: single nucleotide variant.
Coding change: c.3865T>C on transcript NM_005245.4 (MANE Select); coding-DNA position 3865, T replaced by C.
Protein change: p.Tyr1289His; replaces tyrosine 1289 with histidine.
Molecular consequence: missense variant.
Genome position (GRCh38, 1-based): chr4:186,636,692, A>G on the plus strand (T>C on the coding strand, the complement: FAT1 is on the minus strand). VCF-style: chr4-186636692-A-G. GRCh37 (hg19) VCF-style: chr4-187557846-A-G.
Other names: short protein forms Y1289H.
Identifiers: ClinVar variation 1912123 (VCV001912123.5), dbSNP rs867394623, ClinGen allele CA112166392.